The following is an entry in ClinVar:

ClinVar aggregate classification (germline): Uncertain significance. Review status: criteria provided, multiple submitters, no conflicts (2 of 4 stars). 2 submissions from 2 submitters: Uncertain significance (2). Last evaluated 2026-06-08.

Conditions:
Hereditary cancer-predisposing syndrome. Also called: Tumor predisposition; Neoplastic Syndromes, Hereditary; Hereditary neoplastic syndrome; Hereditary Cancer Syndrome. Identifiers: Orphanet 140162, MedGen C0027672, MeSH D009386, MONDO:0015356.
Gastrointestinal stromal tumor. Also called: Gastrointestinal stromal tumor, somatic; Gastrointestinal stroma tumor. Identifiers: Orphanet 44890, MedGen C0238198, MeSH D046152, MONDO:0011719, OMIM 606764, HP:0100723.

Submissions (2):

Ambry Genetics
Classification: Uncertain significance for Hereditary cancer-predisposing syndrome. Last evaluated: 2026-06-08. Review status: criteria provided, single submitter. Criteria: Ambry Variant Classification Scheme 2023. Collection method: clinical testing. Allele origin: germline.
Comment: The p.R346S variant (also known as c.1038G>T), located in coding exon 6 of the PDGFRA gene, results from a G to T substitution at nucleotide position 1038. The arginine at codon 346 is replaced by serine, an amino acid with dissimilar properties. This amino acid position is conserved. In addition, this alteration is predicted to be tolerated by in silico analysis. Based on the available evidence, the clinical significance of this variant remains unclear.

Labcorp Genetics (formerly Invitae), Labcorp
Classification: Uncertain significance for Gastrointestinal stromal tumor. Last evaluated: 2020-08-06. Review status: criteria provided, single submitter. Criteria: Invitae Variant Classification Sherloc (09022015). Collection method: clinical testing. Allele origin: germline.
Comment: Algorithms developed to predict the effect of missense changes on protein structure and function (SIFT, PolyPhen-2, Align-GVGD) all suggest that this variant is likely to be tolerated, but these predictions have not been confirmed by published functional studies and their clinical significance is uncertain. In summary, the available evidence is currently insufficient to determine the role of this variant in disease. Therefore, it has been classified as a Variant of Uncertain Significance. This variant has not been reported in the literature in individuals with PDGFRA-related conditions. This variant is not present in population databases (ExAC no frequency). This sequence change replaces arginine with serine at codon 346 of the PDGFRA protein (p.Arg346Ser). The arginine residue is moderately conserved and there is a moderate physicochemical difference between arginine and serine.

NM_006206.6(PDGFRA):c.1038G>T (p.Arg346Ser)

Gene: PDGFRA (platelet derived growth factor receptor alpha; plus strand). Cytogenetic location: 4q12.
Variant type: single nucleotide variant.
Coding change: c.1038G>T on transcript NM_006206.6 (MANE Select); coding-DNA position 1038, G replaced by T.
Protein change: p.Arg346Ser; replaces arginine 346 with serine.
Molecular consequence: missense variant.
Genome position (GRCh38, 1-based): chr4:54,267,658, G>T. VCF-style: chr4-54267658-G-T. GRCh37 (hg19) VCF-style: chr4-55133825-G-T.
Other names: c.1038G>T, p.Arg346Ser (NM_001347827.2, NM_001347829.2); c.1113G>T, p.Arg371Ser (NM_001347828.2); c.1077G>T, p.Arg359Ser (NM_001347830.2); c.1038G>T (NM_006206.4); short protein forms R346S, R359S, R371S.
Identifiers: ClinVar variation 1021611 (VCV001021611.10), dbSNP rs1308423101, ClinGen allele CA356891659.